The following is an entry in ClinVar:

ClinVar aggregate classification (germline): Uncertain significance (1 of 4 stars; one submission).

Conditions:
Developmental and epileptic encephalopathy, 9 (DEE9). Also called: Early infantile epileptic encephalopathy 9; EPILEPSY, FEMALE-RESTRICTED, WITH MENTAL RETARDATION; JUBERG-HELLMAN SYNDROME; PCDH19-Related X-Linked Female-Limited Epilepsy with Mental Retardation. Identifiers: Orphanet 101039, Orphanet 2076, MedGen C1848137, MONDO:0010246, OMIM 300088. Disease mechanism: loss of function.

Submission:

Labcorp Genetics (formerly Invitae), Labcorp
Classification: Uncertain significance for Developmental and epileptic encephalopathy, 9. Last evaluated: 2024-10-08. Review status: criteria provided, single submitter. Criteria: Invitae Variant Classification Sherloc (09022015). Collection method: clinical testing. Allele origin: germline.
Comment: This sequence change replaces glycine, which is neutral and non-polar, with serine, which is neutral and polar, at codon 1132 of the PCDH19 protein (p.Gly1132Ser). This variant is not present in population databases (gnomAD no frequency). This variant has not been reported in the literature in individuals affected with PCDH19-related conditions. Invitae Evidence Modeling of protein sequence and biophysical properties (such as structural, functional, and spatial information, amino acid conservation, physicochemical variation, residue mobility, and thermodynamic stability) indicates that this missense variant is not expected to disrupt PCDH19 protein function with a negative predictive value of 95%. In summary, the available evidence is currently insufficient to determine the role of this variant in disease. Therefore, it has been classified as a Variant of Uncertain Significance.

NM_001184880.2(PCDH19):c.3394G>A (p.Gly1132Ser)

Gene: PCDH19 (protocadherin 19; minus strand). Cytogenetic location: Xq22.1.
Variant type: single nucleotide variant.
Coding change: c.3394G>A on transcript NM_001184880.2 (MANE Select); coding-DNA position 3394, G replaced by A.
Protein change: p.Gly1132Ser; replaces glycine 1132 with serine.
Molecular consequence: missense variant.
Genome position (GRCh38, 1-based): chrX:100,296,330, C>T on the plus strand (G>A on the coding strand, the complement: PCDH19 is on the minus strand). VCF-style: chrX-100296330-C-T. GRCh37 (hg19) VCF-style: chrX-99551328-C-T.
Other names: c.3253G>A, p.Gly1085Ser (NM_001105243.2); c.3250G>A, p.Gly1084Ser (NM_020766.3); short protein forms G1085S, G1132S, G1084S.
Identifiers: ClinVar variation 3635013 (VCV003635013.2).
Genomic context (GRCh38, chrX:100,296,330, plus strand): 5'-GACTGGTTTAGAGAACGATATCCTTCAGACGCTTCACACCAGGGGACTCTTTGTTGCGAC[C>T]TTCCTTCAGAATGGGGCTGACCTCATGCATGACTTTCTCGCTATCAGCTCCACGGGGCTC-3'
Protein context (NP_001171809.1, residues 1122-1142): MHEVSPILKE[Gly1132Ser]RNKESPGVKR